The following is an entry in ClinVar:

ClinVar aggregate classification (germline): Uncertain significance (1 of 4 stars; one submission).

Conditions:
Autosomal recessive limb-girdle muscular dystrophy type 2J (LGMDR10). Also called: Limb-girdle muscular dystrophy, type 2J; MUSCULAR DYSTROPHY, LIMB-GIRDLE, AUTOSOMAL RECESSIVE 10. Identifiers: Orphanet 140922, MedGen C1837342, MONDO:0012127, OMIM 608807.
Dilated cardiomyopathy 1G (CMD1G). Identifiers: Orphanet 154, MedGen C1858763, MONDO:0011400, OMIM 604145.

gnomAD v4.1: 1 of 1,613,936 alleles (0.000062%); highest among the groups gnomAD compares: Non-Finnish European, 0.000085%; no homozygotes.

Submission:

Labcorp Genetics (formerly Invitae), Labcorp
Classification: Uncertain significance for Dilated cardiomyopathy 1G; Autosomal recessive limb-girdle muscular dystrophy type 2J. Last evaluated: 2024-02-07. Review status: criteria provided, single submitter. Criteria: Invitae Variant Classification Sherloc (09022015). Collection method: clinical testing. Allele origin: germline.
Comment: This sequence change replaces serine, which is neutral and polar, with phenylalanine, which is neutral and non-polar, at codon 35758 of the TTN protein (p.Ser35758Phe). This variant is not present in population databases (gnomAD no frequency). This variant has not been reported in the literature in individuals affected with TTN-related conditions. Experimental studies and prediction algorithms are not available or were not evaluated, and the functional significance of this variant is currently unknown. This variant is located in the M band of TTN (PMID: 25589632). Non-truncating variants in this region may be relevant for neuromuscular disorders, but have not been definitively shown to cause cardiomyopathy (PMID: 23975875). In summary, the available evidence is currently insufficient to determine the role of this variant in disease. Therefore, it has been classified as a Variant of Uncertain Significance.

Literature cited by the submitters: PubMed 25589632; PubMed 23975875.

NM_001267550.2(TTN):c.107273C>T (p.Ser35758Phe)

Genes: TTN-AS1 (TTN antisense RNA 1; plus strand), TTN (titin; minus strand). Cytogenetic location: 2q31.2.
Variant type: single nucleotide variant.
Coding change: c.107273C>T on transcript NM_001267550.2 (MANE Select); coding-DNA position 107273, C replaced by T.
Protein change: p.Ser35758Phe; replaces serine 35758 with phenylalanine.
Molecular consequence: missense variant.
Genome position (GRCh38, 1-based): chr2:178,528,378, G>A on the plus strand (C>T on the coding strand, the complement: TTN is on the minus strand). VCF-style: chr2-178528378-G-A. GRCh37 (hg19) VCF-style: chr2-179393105-G-A.
Other names: c.80453C>T, p.Ser26818Phe (NM_133432.3); c.80654C>T, p.Ser26885Phe (NM_133437.4); c.102350C>T, p.Ser34117Phe (NM_001256850.1); c.80078C>T, p.Ser26693Phe (NM_003319.4); c.99569C>T, p.Ser33190Phe (NM_133378.4); short protein forms S26693F, S26818F, S26885F, S33190F, S34117F, S35758F.
Identifiers: ClinVar variation 3751139 (VCV003751139.2).
Genomic context (GRCh38, chr2:178,528,378, plus strand): 5'-TTTTTGGCCTTAATTGTGTACTTTCCACTGTCGCTGACTGATGCATTTCGGATTTCAAGG[G>A]AGTATACATTTCTGGAGCGGCTTATGCTGACATTTGAAGAAATAGAAATCTAAGACAAAG-3'
Protein context (NP_001254479.2, residues 35748-35768): VSISRSRNVY[Ser35758Phe]LEIRNASVSD